The following is an entry in ClinVar:

ClinVar aggregate classification (germline): Uncertain significance. Review status: criteria provided, multiple submitters, no conflicts (2 of 4 stars). 6 submissions from 6 submitters: Uncertain significance (6). Last evaluated 2026-08-17.

Conditions:
Hereditary nonpolyposis colorectal neoplasms. Identifiers: MedGen C0009405, MeSH D003123.
Mismatch repair cancer syndrome 4. Identifiers: MedGen C5436817, MONDO:0030843, OMIM 619101.
Hereditary cancer-predisposing syndrome. Also called: Neoplastic Syndromes, Hereditary; Hereditary Cancer Syndrome; Tumor predisposition; Hereditary neoplastic syndrome. Identifiers: Orphanet 140162, MedGen C0027672, MeSH D009386, MONDO:0015356.
Lynch syndrome. Identifiers: Orphanet 144, MedGen C4552100, MONDO:0005835. Disease mechanism: loss of function.
Lynch syndrome 4 (LYNCH4). Also called: Colorectal cancer, hereditary nonpolyposis, type 4; Hereditary non-polyposis colorectal cancer, type 4. Identifiers: Orphanet 144, MedGen C1838333, MONDO:0013699, OMIM 614337. Disease mechanism: loss of function.

Submissions (6):

Ambry Genetics
Classification: Uncertain significance for Hereditary cancer-predisposing syndrome. Last evaluated: 2026-08-17. Review status: criteria provided, single submitter. Criteria: Ambry Variant Classification Scheme 2023. Collection method: clinical testing. Allele origin: germline.
Comment: The p.A49G variant (also known as c.146C>G), located in coding exon 2 of the PMS2 gene, results from a C to G substitution at nucleotide position 146. The alanine at codon 49 is replaced by glycine, an amino acid with similar properties. This amino acid position is highly conserved in available vertebrate species. In addition, this alteration is predicted to be deleterious by in silico analysis. Based on the available evidence, the clinical significance of this variant remains unclear.

Labcorp Genetics (formerly Invitae), Labcorp
Classification: Uncertain significance for Hereditary nonpolyposis colorectal neoplasms. Last evaluated: 2026-01-26. Review status: criteria provided, single submitter. Criteria: Invitae Variant Classification Sherloc (09022015). Collection method: clinical testing. Allele origin: germline.
Comment: This sequence change replaces alanine, which is neutral and non-polar, with glycine, which is neutral and non-polar, at codon 49 of the PMS2 protein (p.Ala49Gly). This variant is not present in population databases (gnomAD no frequency). This variant has not been reported in the literature in individuals affected with PMS2-related conditions. ClinVar contains an entry for this variant (Variation ID: 186832). Invitae Evidence Modeling incorporating data from in vitro experimental studies (internal data) indicates that this missense variant is not expected to disrupt PMS2 function with a negative predictive value of 95%. In summary, the available evidence is currently insufficient to determine the role of this variant in disease. Therefore, it has been classified as a Variant of Uncertain Significance.

Genomic Medicine Center of Excellence, King Faisal Specialist Hospital and Research Centre
Classification: Uncertain significance for Mismatch repair cancer syndrome 4. Last evaluated: 2024-03-26. Review status: criteria provided, single submitter. Criteria: ACMG Guidelines, 2015. Collection method: clinical testing. Allele origin: germline.

Color Diagnostics, LLC DBA Color Health
Classification: Uncertain significance for Hereditary cancer-predisposing syndrome. Last evaluated: 2024-03-06. Review status: criteria provided, single submitter. Criteria: ACMG Guidelines, 2015. Collection method: clinical testing. Allele origin: germline.
Comment: This missense variant replaces alanine with glycine at codon 49 of the PMS2 protein. Computational prediction suggests that this variant may have deleterious impact on protein structure and function (internally defined REVEL score threshold >= 0.7, PMID: 27666373). To our knowledge, functional studies have not been reported for this variant. This variant has not been reported in individuals affected with hereditary cancer in the literature. This variant has not been identified in the general population by the Genome Aggregation Database (gnomAD). The available evidence is insufficient to determine the role of this variant in disease conclusively. Therefore, this variant is classified as a Variant of Uncertain Significance.

Baylor Genetics
Classification: Uncertain significance for Lynch syndrome 4. Last evaluated: 2024-01-08. Review status: criteria provided, single submitter. Criteria: ACMG Guidelines, 2015. Collection method: clinical testing. Allele origin: unknown.

All of Us Research Program, National Institutes of Health
Classification: Uncertain significance for Lynch syndrome. Last evaluated: 2023-11-02. Review status: criteria provided, single submitter. Criteria: ACMG Guidelines, 2015. Collection method: clinical testing. Allele origin: germline. Inheritance: Autosomal dominant inheritance. Observed: 1 variant allele, 1 heterozygote.
Comment: This missense variant replaces alanine with glycine at codon 49 of the PMS2 protein. Computational prediction suggests that this variant may have deleterious impact on protein structure and function (internally defined REVEL score threshold >= 0.7, PMID: 27666373). To our knowledge, functional studies have not been reported for this variant. This variant has not been reported in individuals affected with hereditary cancer in the literature. This variant has not been identified in the general population by the Genome Aggregation Database (gnomAD). The available evidence is insufficient to determine the role of this variant in disease conclusively. Therefore, this variant is classified as a Variant of Uncertain Significance.

This study involves interpretation of variants in research participants for the purpose of population health screening. Participant phenotype was not available at the time of variant classification. Additional details can be found in publication PMID: 35346344, PMCID: PMC8962531

NM_000535.7(PMS2):c.146C>G (p.Ala49Gly)

Gene: PMS2 (PMS1 homolog 2, mismatch repair system component; minus strand). Cytogenetic location: 7p22.1.
Variant type: single nucleotide variant.
Coding change: c.146C>G on transcript NM_000535.7 (MANE Select); coding-DNA position 146, C replaced by G.
Protein change: p.Ala49Gly; replaces alanine 49 with glycine.
Molecular consequence: missense variant. On other transcripts: 5 prime UTR variant (8), non-coding transcript variant (1), intron variant (3).
Genome position (GRCh38, 1-based): chr7:6,005,909, G>C on the plus strand (C>G on the coding strand, the complement: PMS2 is on the minus strand). VCF-style: chr7-6005909-G-C. GRCh37 (hg19) VCF-style: chr7-6045540-G-C.
Other names: c.-260C>G (NM_001322003.2, NM_001322005.2, NM_001322009.2 and 1 more transcripts); c.146C>G, p.Ala49Gly (NM_001322006.2, NM_001322014.2); c.-70C>G (NM_001322007.2); c.-739C>G (NM_001322011.2, NM_001322012.2); c.-339C>G (NM_001322015.2); c.-52-1851C>G (NM_001322008.2); c.-242-1851C>G (NM_001322010.2, NM_001322004.2); short protein forms A49G.
Identifiers: ClinVar variation 186832 (VCV000186832.23), dbSNP rs786203255, ClinGen allele CA009723.